The following is an entry in ClinVar:

NM_001267550.2(TTN):c.61218T>G (p.Tyr20406Ter)

Genes: TTN (titin; minus strand), TTN-AS1 (TTN antisense RNA 1; plus strand). Cytogenetic location: 2q31.2.
Variant type: single nucleotide variant.
Coding change: c.61218T>G on transcript NM_001267550.2 (MANE Select); coding-DNA position 61218, T replaced by G.
Protein change: p.Tyr20406Ter; replaces tyrosine 20406 with a stop codon.
Molecular consequence: nonsense.
Genome position (GRCh38, 1-based): chr2:178,590,507, A>C on the plus strand (T>G on the coding strand, the complement: TTN is on the minus strand). VCF-style: chr2-178590507-A-C. GRCh37 (hg19) VCF-style: chr2-179455234-A-C.
Other names: c.56295T>G, p.Tyr18765Ter (NM_001256850.1); c.34023T>G, p.Tyr11341Ter (NM_003319.4); c.53514T>G, p.Tyr17838Ter (NM_133378.4); c.34398T>G, p.Tyr11466Ter (NM_133432.3); c.34599T>G, p.Tyr11533Ter (NM_133437.4); short protein forms Y18765*, Y20406*, Y17838*, Y11341*, Y11466*, Y11533*.
Identifiers: ClinVar variation 3463782 (VCV003463782.1).

ClinVar aggregate classification (germline): Likely pathogenic (1 of 4 stars; one submission).

Conditions:
Cardiovascular phenotype. Identifiers: MedGen CN230736.

Submission:

Ambry Genetics
Classification: Likely pathogenic for Cardiovascular phenotype. Last evaluated: 2024-09-25. Review status: criteria provided, single submitter. Criteria: Ambry Variant Classification Scheme 2023. Collection method: clinical testing. Allele origin: germline.
Comment: The p.Y11341* variant (also known as c.34023T>G), located in coding exon 131 of the TTN gene, results from a T to G substitution at nucleotide position 34023. This changes the amino acid from a tyrosine to a stop codon within coding exon 131. This exon is located in the A-band region of the N2-B isoform of the titin protein and is constitutively expressed in TTN transcripts (percent spliced in or PSI 100%). This variant is considered to be rare based on population cohorts in the Genome Aggregation Database (gnomAD). This alteration is expected to result in loss of function by premature protein truncation or nonsense-mediated mRNA decay. While truncating variants in TTN are present in 1-3% of the general population, truncating variants in the A-band are the most common cause of dilated cardiomyopathy (DCM) (Herman DS et al. N. Engl. J. Med., 2012 Feb;366:619-28; Roberts AM et al. Sci Transl Med, 2015 Jan;7:270ra6). TTN truncating variants encoded in constitutive exons (PSI >90%) have been found to be significantly associated with DCM regardless of their position in titin (Schafer S et al. Nat. Genet., 2017 01;49:46-53). Based on the majority of available evidence to date, this variant is likely to be pathogenic.